The following is an entry in ClinVar:

ClinVar aggregate classification (germline): Uncertain significance (1 of 4 stars; one submission).

Allele frequency attached by ClinVar (database versions not stated): ExAC 0.00001; gnomAD 0.00001; TOPMed 0.00001.

Submission:

Labcorp Genetics (formerly Invitae), Labcorp
Classification: Uncertain significance. Last evaluated: 2021-12-23. Review status: criteria provided, single submitter. Criteria: Invitae Variant Classification Sherloc (09022015). Collection method: clinical testing. Allele origin: germline.
Comment: This sequence change replaces leucine, which is neutral and non-polar, with arginine, which is basic and polar, at codon 46 of the ROM1 protein (p.Leu46Arg). This variant is present in population databases (rs748039721, gnomAD 0.009%). This variant has not been reported in the literature in individuals affected with ROM1-related conditions. Algorithms developed to predict the effect of missense changes on protein structure and function are either unavailable or do not agree on the potential impact of this missense change (SIFT: "Deleterious"; PolyPhen-2: "Probably Damaging"; Align-GVGD: "Class C0"). In summary, the available evidence is currently insufficient to determine the role of this variant in disease. Therefore, it has been classified as a Variant of Uncertain Significance.

NM_000327.4(ROM1):c.137T>G (p.Leu46Arg)

Gene: ROM1 (retinal outer segment membrane protein 1; plus strand). Cytogenetic location: 11q12.3.
Variant type: single nucleotide variant.
Coding change: c.137T>G on transcript NM_000327.4 (MANE Select); coding-DNA position 137, T replaced by G.
Protein change: p.Leu46Arg; replaces leucine 46 with arginine.
Molecular consequence: missense variant.
Genome position (GRCh38, 1-based): chr11:62,613,418, T>G. VCF-style: chr11-62613418-T-G. GRCh37 (hg19) VCF-style: chr11-62380890-T-G.
Other names: short protein forms L46R.
Identifiers: ClinVar variation 1897593 (VCV001897593.5), dbSNP rs748039721, ClinGen allele CA6049652.